The following is an entry in ClinVar:

NM_000539.3(RHO):c.721G>T (p.Ala241Ser)

Gene: RHO (rhodopsin; plus strand). Cytogenetic location: 3q22.1.
Variant type: single nucleotide variant.
Coding change: c.721G>T on transcript NM_000539.3 (MANE Select); coding-DNA position 721, G replaced by T.
Protein change: p.Ala241Ser; replaces alanine 241 with serine.
Molecular consequence: missense variant.
Genome position (GRCh38, 1-based): chr3:129,532,557, G>T. VCF-style: chr3-129532557-G-T. GRCh37 (hg19) VCF-style: chr3-129251400-G-T.
Other names: short protein forms A241S.
Identifiers: ClinVar variation 1975739 (VCV001975739.5), dbSNP rs2084788760, ClinGen allele CA354470222.

ClinVar aggregate classification (germline): Uncertain significance (1 of 4 stars; one submission).

Allele frequency attached by ClinVar (database versions not stated): gnomAD 0.00001; TOPMed 0.00002.
gnomAD v4.1: 2 of 1,614,018 alleles (0.00012%); highest among the groups gnomAD compares: African/African-American, 0.0027%; no homozygotes.

Submission:

Labcorp Genetics (formerly Invitae), Labcorp
Classification: Uncertain significance. Last evaluated: 2022-04-16. Review status: criteria provided, single submitter. Criteria: Invitae Variant Classification Sherloc (09022015). Collection method: clinical testing. Allele origin: germline.
Comment: In summary, the available evidence is currently insufficient to determine the role of this variant in disease. Therefore, it has been classified as a Variant of Uncertain Significance. Algorithms developed to predict the effect of missense changes on protein structure and function (SIFT, PolyPhen-2, Align-GVGD) all suggest that this variant is likely to be tolerated. This variant has not been reported in the literature in individuals affected with RHO-related conditions. This variant is not present in population databases (gnomAD no frequency). This sequence change replaces alanine, which is neutral and non-polar, with serine, which is neutral and polar, at codon 241 of the RHO protein (p.Ala241Ser).